The following is an entry in ClinVar:

ClinVar aggregate classification (germline): Conflicting classifications of pathogenicity. Review status: criteria provided, conflicting classifications (1 of 4 stars). 2 submissions from 2 submitters: Uncertain significance (1); Likely benign (1). Last evaluated 2025-06-16.

Conditions:
Hypertrophic cardiomyopathy. Also called: HYPERTROPHIC MYOCARDIOPATHY. Identifiers: Orphanet 217569, MedGen C0007194, MeSH D002312, MONDO:0005045, HP:0001639.

Submissions (2):

Labcorp Genetics (formerly Invitae), Labcorp
Classification: Likely benign for Hypertrophic cardiomyopathy. Last evaluated: 2025-06-16. Review status: criteria provided, single submitter. Criteria: Invitae Variant Classification Sherloc (09022015). Collection method: clinical testing. Allele origin: germline.

All of Us Research Program, National Institutes of Health
Classification: Uncertain significance for Hypertrophic cardiomyopathy. Last evaluated: 2023-06-26. Review status: criteria provided, single submitter. Criteria: ACMG Guidelines, 2015. Collection method: clinical testing. Allele origin: germline. Inheritance: Autosomal dominant inheritance. Observed: 1 variant allele, 1 heterozygote.
Comment: This variant causes a deletion of 5 nucleotides in intron 32 of the MYBPC3 gene. Splice site prediction tools are inconclusive regarding the impact of this variant on RNA splicing. To our knowledge, functional studies have not been reported for this variant. This variant has not been reported in individuals affected with cardiovascular disorders in the literature. This variant has not been identified in the general population by the Genome Aggregation Database (gnomAD). The available evidence is insufficient to determine the role of this variant in disease conclusively. Therefore, this variant is classified as a Variant of Uncertain Significance.

This study involves interpretation of variants in research participants for the purpose of population health screening. Participant phenotype was not available at the time of variant classification. Additional details can be found in publication PMID: 35346344, PMCID: PMC8962531

NM_000256.3(MYBPC3):c.3628-18_3628-14del

Gene: MYBPC3 (myosin binding protein C3; minus strand). Cytogenetic location: 11p11.2.
Variant type: Deletion.
Coding change: c.3628-18_3628-14del on transcript NM_000256.3 (MANE Select); 18 bases into the intron before coding-DNA position 3628 through 14 bases into the intron before coding-DNA position 3628, 5 bases deleted (TCTTT; older notation c.3628-18_3628-14delTCTTT).
Molecular consequence: intron variant.
Genome position (GRCh38, 1-based): chr11:47,332,272-47,332,276, AAAGA deleted on the plus strand (TCTTT on the coding strand, the reverse complement: MYBPC3 is on the minus strand). VCF-style (leftmost placement, unchanged base first): chr11-47332271-TAAAGA-T. GRCh37 (hg19) VCF-style: chr11-47353822-TAAAGA-T.
Identifiers: ClinVar variation 2720574 (VCV002720574.4), dbSNP rs2495736746, ClinGen allele CA2697548540.